The following is an entry in ClinVar:

NM_020203.6(MEPE):c.1461A>C (p.Gln487His)

Genes: MEPE (matrix extracellular phosphoglycoprotein; plus strand), MEPE-AS1 (MEPE and IBSP antisense RNA 1; minus strand). Cytogenetic location: 4q22.1.
Variant type: single nucleotide variant.
Coding change: c.1461A>C on transcript NM_020203.6 (MANE Select); coding-DNA position 1461, A replaced by C.
Protein change: p.Gln487His; replaces glutamine 487 with histidine.
Molecular consequence: missense variant.
Genome position (GRCh38, 1-based): chr4:87,846,329, A>C. VCF-style: chr4-87846329-A-C. GRCh37 (hg19) VCF-style: chr4-88767481-A-C.
Other names: c.1461A>C, p.Gln487His (NM_001184694.3); c.1122A>C, p.Gln374His (NM_001184695.4, NM_001184696.2, NM_001184697.2); c.1554A>C, p.Gln518His (NM_001291183.2); short protein forms Q487H, Q374H, Q518H.
Identifiers: ClinVar variation 767963 (VCV000767963.7), dbSNP rs61731016, ClinGen allele CA3002855.

ClinVar aggregate classification (germline): Benign. Review status: criteria provided, multiple submitters, no conflicts (2 of 4 stars). 3 submissions from 3 submitters: Benign (2). 1 of the submissions does not count toward it. Last evaluated 2019-12-31.

Conditions:
MEPE-related disorder. Also called: MEPE-related condition.

Allele frequency attached by ClinVar (database versions not stated): gnomAD exomes 0.00362; ExAC 0.00448; ESP Exome Variant Server 0.00923; gnomAD 0.00985 and 0.01029; 1000 Genomes Project 30x 0.01858; TOPMed 0.01088; 1000 Genomes Project 0.01737.
gnomAD v4.1: 3,580 of 1,614,086 alleles (0.22%); highest among the groups gnomAD compares: African/African-American, 3.4%; 52 homozygotes.

Submissions (3):

Labcorp Genetics (formerly Invitae), Labcorp
Classification: Benign. Last evaluated: 2019-12-31. Review status: criteria provided, single submitter. Criteria: Invitae Variant Classification Sherloc (09022015). Collection method: clinical testing. Allele origin: germline.

Breakthrough Genomics
Classification: Benign. Review status: criteria provided, single submitter. Criteria: ACMG Guidelines, 2015. Collection method: not provided. Allele origin: germline. Inheritance: Unknown mechanism. Affected: yes.

PreventionGenetics, part of Exact Sciences
Classification: Benign for MEPE-related condition. Last evaluated: 2019-08-13. Review status: no assertion criteria provided. Collection method: clinical testing. Allele origin: germline. Not counted in ClinVar's aggregate classification.
Comment: This variant is classified as benign based on ACMG/AMP sequence variant interpretation guidelines (Richards et al. 2015 PMID: 25741868, with internal and published modifications).